The following is an entry in ClinVar:

NM_001854.4(COL11A1):c.2191C>A (p.Pro731Thr)

Gene: COL11A1 (collagen type XI alpha 1 chain; minus strand). Cytogenetic location: 1p21.1.
Variant type: single nucleotide variant.
Coding change: c.2191C>A on transcript NM_001854.4 (MANE Select); coding-DNA position 2191, C replaced by A.
Protein change: p.Pro731Thr; replaces proline 731 with threonine.
Molecular consequence: missense variant. On other transcripts: non-coding transcript variant (1).
Genome position (GRCh38, 1-based): chr1:102,998,315, G>T on the plus strand (C>A on the coding strand, the complement: COL11A1 is on the minus strand). VCF-style: chr1-102998315-G-T. GRCh37 (hg19) VCF-style: chr1-103463871-G-T.
Other names: c.2074C>A, p.Pro692Thr (NM_001190709.2); c.2227C>A, p.Pro743Thr (NM_080629.3); c.1843C>A, p.Pro615Thr (NM_080630.4); short protein forms P731T, P615T, P692T, P743T.
Identifiers: ClinVar variation 1487238 (VCV001487238.7), dbSNP rs753495125, ClinGen allele CA341170148.
Genomic context (GRCh38, chr1:102,998,315, plus strand): 5'-TCTATTTTTAAAGATAATGTAAAGAAATTTTAATGACCAGGTAGCTGTTACTTACAGGAG[G>T]CCCATCAGCACCAGGAAGTCCAGCAAGTCCTGGTTTTCCTTGTGGTCCCTTATAGAGAAA-3'
Protein context (NP_001845.3, residues 721-741): GLAGLPGADG[Pro731Thr]PGHPGKEGQS

ClinVar aggregate classification (germline): Uncertain significance. Review status: criteria provided, multiple submitters, no conflicts (2 of 4 stars). 2 submissions from 2 submitters: Uncertain significance (2). Last evaluated 2025-08-21.

gnomAD v4.1: 1 of 1,606,262 alleles (0.000062%); highest among the groups gnomAD compares: East Asian, 0.0022%; no homozygotes.

Submissions (2):

Labcorp Genetics (formerly Invitae), Labcorp
Classification: Uncertain significance. Last evaluated: 2025-08-21. Review status: criteria provided, single submitter. Criteria: Invitae Variant Classification Sherloc (09022015). Collection method: clinical testing. Allele origin: germline.
Comment: This sequence change replaces proline, which is neutral and non-polar, with threonine, which is neutral and polar, at codon 731 of the COL11A1 protein (p.Pro731Thr). This variant is not present in population databases (gnomAD no frequency). This variant has not been reported in the literature in individuals affected with COL11A1-related conditions. ClinVar contains an entry for this variant (Variation ID: 1487238). Invitae Evidence Modeling of protein sequence and biophysical properties (such as structural, functional, and spatial information, amino acid conservation, physicochemical variation, residue mobility, and thermodynamic stability) indicates that this missense variant is not expected to disrupt COL11A1 protein function with a negative predictive value of 80%. In summary, the available evidence is currently insufficient to determine the role of this variant in disease. Therefore, it has been classified as a Variant of Uncertain Significance.

Blueprint Genetics
Classification: Uncertain significance. Last evaluated: 2019-11-26. Review status: criteria provided, single submitter. Criteria: ACMG Guidelines, 2015. Collection method: clinical testing. Allele origin: germline.